The following is an entry in ClinVar:

NM_002907.4(RECQL):c.871C>T (p.Arg291Trp)

Gene: RECQL (RecQ like helicase; minus strand). Cytogenetic location: 12p12.1.
Variant type: single nucleotide variant.
Coding change: c.871C>T on transcript NM_002907.4 (MANE Select); coding-DNA position 871, C replaced by T.
Protein change: p.Arg291Trp; replaces arginine 291 with tryptophan.
Molecular consequence: missense variant.
Genome position (GRCh38, 1-based): chr12:21,476,989, G>A on the plus strand (C>T on the coding strand, the complement: RECQL is on the minus strand). VCF-style: chr12-21476989-G-A. GRCh37 (hg19) VCF-style: chr12-21629923-G-A.
Other names: c.871C>T, p.Arg291Trp (NM_032941.3); short protein forms R291W.
Identifiers: ClinVar variation 1001896 (VCV001001896.12), dbSNP rs140033676, ClinGen allele CA6478929.
Genomic context (GRCh38, chr12:21,476,989, plus strand): 5'-TCCCATTAATGAGCTTTACAATATCCTCAATAAAATCTTCAGTGTTTGAGGGCTTCTGCC[G>A]AACCTAAAAAAAACTTAACTTATTAAAAAGTAAATGAATGAGTACCATCCAAGTGGCTGT-3'
Protein context (NP_002898.2, residues 281-301): FNRPNLYYEV[Arg291Trp]QKPSNTEDFI

ClinVar aggregate classification (germline): Uncertain significance. Review status: criteria provided, multiple submitters, no conflicts (2 of 4 stars). 2 submissions from 2 submitters: Uncertain significance (2). Last evaluated 2024-10-26.

Allele frequency attached by ClinVar (database versions not stated): gnomAD exomes 0.00001 and 0.00002; ExAC 0.00002; gnomAD 0.00003; TOPMed 0.00005; ESP Exome Variant Server 0.00008.

Submissions (2):

Ambry Genetics
Classification: Uncertain significance. Last evaluated: 2024-10-26. Review status: criteria provided, single submitter. Criteria: Ambry Variant Classification Scheme 2023. Collection method: clinical testing. Allele origin: germline.
Comment: The p.R291W variant (also known as c.871C>T), located in coding exon 7 of the RECQL gene, results from a C to T substitution at nucleotide position 871. The arginine at codon 291 is replaced by tryptophan, an amino acid with dissimilar properties. This amino acid position is well conserved in available vertebrate species. In addition, this alteration is predicted to be deleterious by in silico analysis. Since supporting evidence is limited at this time, the clinical significance of this alteration remains unclear.

Labcorp Genetics (formerly Invitae), Labcorp
Classification: Uncertain significance. Last evaluated: 2024-04-16. Review status: criteria provided, single submitter. Criteria: Invitae Variant Classification Sherloc (09022015). Collection method: clinical testing. Allele origin: germline.
Comment: This sequence change replaces arginine, which is basic and polar, with tryptophan, which is neutral and slightly polar, at codon 291 of the RECQL protein (p.Arg291Trp). The frequency data for this variant in the population databases is considered unreliable, as metrics indicate poor data quality at this position in the gnomAD database. This variant has not been reported in the literature in individuals affected with RECQL-related conditions. ClinVar contains an entry for this variant (Variation ID: 1001896). Advanced modeling of protein sequence and biophysical properties (such as structural, functional, and spatial information, amino acid conservation, physicochemical variation, residue mobility, and thermodynamic stability) has been performed at Invitae for this missense variant, however the output from this modeling did not meet the statistical confidence thresholds required to predict the impact of this variant on RECQL protein function. In summary, the available evidence is currently insufficient to determine the role of this variant in disease. Therefore, it has been classified as a Variant of Uncertain Significance.